The following is an entry in ClinVar:

ClinVar aggregate classification (germline): Likely benign. Review status: criteria provided, multiple submitters, no conflicts (2 of 4 stars). 4 submissions from 4 submitters: Likely benign (4). Last evaluated 2026-01-24.

Allele frequency attached by ClinVar (database versions not stated): gnomAD exomes 0.00006 and 0.00010; TOPMed 0.00008; gnomAD 0.00009 and 0.00011; ExAC 0.00010; 1000 Genomes Project 30x 0.00016; 1000 Genomes Project 0.00020; ESP Exome Variant Server 0.00024.
gnomAD v4.1: 108 of 1,614,004 alleles (0.0067%); highest among the groups gnomAD compares: Middle Eastern, 0.23%; no homozygotes.

Submissions (4):

Labcorp Genetics (formerly Invitae), Labcorp
Classification: Likely benign. Last evaluated: 2026-01-24. Review status: criteria provided, single submitter. Criteria: Invitae Variant Classification Sherloc (09022015). Collection method: clinical testing. Allele origin: germline.

CeGaT Center for Human Genetics Tuebingen
Classification: Likely benign. Last evaluated: 2024-10-01. Review status: criteria provided, single submitter. Criteria: CeGaT Center For Human Genetics Tuebingen Variant Classification Criteria Version 2. Collection method: clinical testing. Allele origin: germline. Affected: yes. Observed: 4 variant alleles.
Comment: SETD5: BP4, BP7

GeneDx
Classification: Likely benign. Last evaluated: 2020-12-08. Review status: criteria provided, single submitter. Criteria: GeneDx Variant Classification Process June 2021. Collection method: clinical testing. Allele origin: germline. Affected: yes.

Breakthrough Genomics
Classification: Likely benign. Review status: criteria provided, single submitter. Criteria: ACMG Guidelines, 2015. Collection method: not provided. Allele origin: germline. Inheritance: Autosomal dominant inheritance. Affected: yes.

NM_001080517.3(SETD5):c.4140G>A (p.Ser1380=)

Gene: SETD5 (SET domain containing 5; plus strand). Cytogenetic location: 3p25.3.
Variant type: single nucleotide variant.
Coding change: c.4140G>A on transcript NM_001080517.3 (MANE Select); coding-DNA position 4140, G replaced by A.
Protein change: p.Ser1380=; no amino-acid change (serine 1380 retained).
Molecular consequence: synonymous variant.
Genome position (GRCh38, 1-based): chr3:9,475,902, G>A. VCF-style: chr3-9475902-G-A. GRCh37 (hg19) VCF-style: chr3-9517586-G-A.
Other names: c.3846G>A, p.Ser1282= (NM_001292043.2, NM_001349451.2).
Identifiers: ClinVar variation 749976 (VCV000749976.50), dbSNP rs374462952, ClinGen allele CA2239873.